The following is an entry in ClinVar:

NM_000258.3(MYL3):c.275T>C (p.Val92Ala)

Gene: MYL3 (myosin light chain 3; minus strand). Cytogenetic location: 3p21.31.
Variant type: single nucleotide variant.
Coding change: c.275T>C on transcript NM_000258.3 (MANE Select); coding-DNA position 275, T replaced by C.
Protein change: p.Val92Ala; replaces valine 92 with alanine.
Molecular consequence: missense variant.
Genome position (GRCh38, 1-based): chr3:46,860,708, A>G on the plus strand (T>C on the coding strand, the complement: MYL3 is on the minus strand). VCF-style: chr3-46860708-A-G. GRCh37 (hg19) VCF-style: chr3-46902198-A-G.
Other names: c.275T>C, p.Val92Ala (NM_001406937.1, NM_001406938.1, NM_001406939.1); c.101T>C, p.Val34Ala (NM_001406940.1, NM_001406941.1); short protein forms V34A, V92A.
Identifiers: ClinVar variation 2964035 (VCV002964035.4), dbSNP rs887145234, ClinGen allele CA73779355.

ClinVar aggregate classification (germline): Uncertain significance. Review status: criteria provided, multiple submitters, no conflicts (2 of 4 stars). 2 submissions from 2 submitters: Uncertain significance (2). Last evaluated 2024-12-16.

Conditions:
Hypertrophic cardiomyopathy. Also called: HYPERTROPHIC MYOCARDIOPATHY. Identifiers: Orphanet 217569, MedGen C0007194, MeSH D002312, MONDO:0005045, HP:0001639.

Allele frequency attached by ClinVar (database versions not stated): gnomAD 0.00001; TOPMed 0.00001.
gnomAD v4.1: 1 of 1,613,950 alleles (0.000062%); highest among the groups gnomAD compares: African/African-American, 0.0013%; no homozygotes.

Submissions (2):

Labcorp Genetics (formerly Invitae), Labcorp
Classification: Uncertain significance for Hypertrophic cardiomyopathy. Last evaluated: 2024-12-16. Review status: criteria provided, single submitter. Criteria: Invitae Variant Classification Sherloc (09022015). Collection method: clinical testing. Allele origin: germline.
Comment: This sequence change replaces valine, which is neutral and non-polar, with alanine, which is neutral and non-polar, at codon 92 of the MYL3 protein (p.Val92Ala). This variant is present in population databases (no rsID available, gnomAD 0.01%). This variant has not been reported in the literature in individuals affected with MYL3-related conditions. ClinVar contains an entry for this variant (Variation ID: 2964035). An algorithm developed to predict the effect of missense changes on protein structure and function (PolyPhen-2) suggests that this variant is likely to be disruptive. In summary, the available evidence is currently insufficient to determine the role of this variant in disease. Therefore, it has been classified as a Variant of Uncertain Significance.

All of Us Research Program, National Institutes of Health
Classification: Uncertain significance for Hypertrophic cardiomyopathy. Last evaluated: 2024-08-13. Review status: criteria provided, single submitter. Criteria: ACMG Guidelines, 2015. Collection method: clinical testing. Allele origin: germline. Inheritance: Autosomal dominant inheritance. Observed: 1 variant allele, 1 heterozygote.
Comment: This missense variant replaces valine with alanine at codon 92 of the MYL3 protein. Computational prediction suggests that this variant may have deleterious impact on protein structure and function (internally defined REVEL score threshold >= 0.7, PMID: 27666373). To our knowledge, functional studies have not been reported for this variant. This variant has not been reported in individuals affected with MYL3-related disorders in the literature. This variant has been identified in 1/31352 chromosomes in the general population by the Genome Aggregation Database (gnomAD). The available evidence is insufficient to determine the role of this variant in disease conclusively. Therefore, this variant is classified as a Variant of Uncertain Significance.

This study involves interpretation of variants in research participants for the purpose of population health screening. Participant phenotype was not available at the time of variant classification. Additional details can be found in publication PMID: 35346344, PMCID: PMC8962531